The following is an entry in ClinVar:

ClinVar aggregate classification (germline): Uncertain significance (1 of 4 stars; one submission).

Allele frequency attached by ClinVar (database versions not stated): gnomAD exomes below 0.00001; gnomAD 0.00001; TOPMed 0.00001.
gnomAD v4.1: 2 of 1,613,656 alleles (0.00012%); highest among the groups gnomAD compares: African/African-American, 0.0027%; no homozygotes.

Submission:

Labcorp Genetics (formerly Invitae), Labcorp
Classification: Uncertain significance. Last evaluated: 2022-04-12. Review status: criteria provided, single submitter. Criteria: Invitae Variant Classification Sherloc (09022015). Collection method: clinical testing. Allele origin: germline.
Comment: This sequence change replaces phenylalanine, which is neutral and non-polar, with leucine, which is neutral and non-polar, at codon 146 of the ASNS protein (p.Phe146Leu). This variant is not present in population databases (gnomAD no frequency). This variant has not been reported in the literature in individuals affected with ASNS-related conditions. Advanced modeling of protein sequence and biophysical properties (such as structural, functional, and spatial information, amino acid conservation, physicochemical variation, residue mobility, and thermodynamic stability) performed at Invitae indicates that this missense variant is expected to disrupt ASNS protein function. In summary, the available evidence is currently insufficient to determine the role of this variant in disease. Therefore, it has been classified as a Variant of Uncertain Significance.

NM_001673.5(ASNS):c.436T>C (p.Phe146Leu)

Genes: ASNS (asparagine synthetase (glutamine-hydrolyzing); minus strand), CZ1P-ASNS (CZ1P-ASNS readthrough; minus strand). Cytogenetic location: 7q21.3.
Variant type: single nucleotide variant.
Coding change: c.436T>C on transcript NM_001673.5 (MANE Select); coding-DNA position 436, T replaced by C.
Protein change: p.Phe146Leu; replaces phenylalanine 146 with leucine.
Molecular consequence: missense variant. On other transcripts: non-coding transcript variant (1).
Genome position (GRCh38, 1-based): chr7:97,864,310, A>G on the plus strand (T>C on the coding strand, the complement: ASNS is on the minus strand). VCF-style: chr7-97864310-A-G. GRCh37 (hg19) VCF-style: chr7-97493622-A-G.
Other names: c.373T>C, p.Phe125Leu (NM_001178075.2); c.187T>C, p.Phe63Leu (NM_001178076.2, NM_001178077.1); c.436T>C, p.Phe146Leu (NM_001352496.2, NM_133436.3, NM_183356.4); short protein forms F125L, F146L, F63L.
Identifiers: ClinVar variation 2093357 (VCV002093357.2), dbSNP rs1791856955, ClinGen allele CA368271193.
Genomic context (GRCh38, chr7:97,864,310, plus strand): 5'-TATTATTACCTTTAGCTTCTGAACATACAGCCAAAAATCCATCTTCTGTCATTGCTTTAA[A>G]CAAAGGTCTGACTCCATATGTATCTCTACCCAGGAACACTTTCTTATTGGCAGTATCCAG-3'
Protein context (NP_001664.3, residues 136-156): GRDTYGVRPL[Phe146Leu]KAMTEDGFLA